The following is an entry in ClinVar:

ClinVar aggregate classification (germline): Uncertain significance. Review status: criteria provided, multiple submitters, no conflicts (2 of 4 stars). 2 submissions from 2 submitters: Uncertain significance (2). Last evaluated 2026-04-20.

Conditions:
PTPRQ-related disorder. Also called: PTPRQ-related condition.

Allele frequency attached by ClinVar (database versions not stated): TOPMed 0.00002.
gnomAD v4.1: 6 of 1,549,354 alleles (0.00039%); highest among the groups gnomAD compares: Admixed American, 0.0098%; no homozygotes.

Submissions (2):

PreventionGenetics, part of Exact Sciences
Classification: Uncertain significance for PTPRQ-related condition. Last evaluated: 2026-04-20. Review status: criteria provided, single submitter. Criteria: ACMG Guidelines, 2015. Collection method: clinical testing. Allele origin: germline.
Comment: The PTPRQ c.6329T>C variant is predicted to result in the amino acid substitution p.Ile2110Thr. To our knowledge, this variant has not been reported in the literature. This variant is reported in 0.0082% of alleles in individuals of Latino descent in gnomAD. At this time, the clinical significance of this variant is uncertain due to the absence of conclusive functional and genetic evidence.

GeneDx
Classification: Uncertain significance. Last evaluated: 2022-07-01. Review status: criteria provided, single submitter. Criteria: GeneDx Variant Classification Process June 2021. Collection method: clinical testing. Allele origin: germline. Affected: yes.
Comment: In silico analysis supports that this missense variant does not alter protein structure/function; Has not been previously published as pathogenic or benign to our knowledge

NM_001145026.2(PTPRQ):c.6329T>C (p.Ile2110Thr)

Gene: PTPRQ (protein tyrosine phosphatase receptor type Q; plus strand). Cytogenetic location: 12q21.31.
Variant type: single nucleotide variant.
Coding change: c.6329T>C on transcript NM_001145026.2 (MANE Select); coding-DNA position 6329, T replaced by C.
Protein change: p.Ile2110Thr; replaces isoleucine 2110 with threonine.
Molecular consequence: missense variant.
Genome position (GRCh38, 1-based): chr12:80,669,340, T>C. VCF-style: chr12-80669340-T-C. GRCh37 (hg19) VCF-style: chr12-81063119-T-C.
Other names: short protein forms I2110T.
Identifiers: ClinVar variation 1809827 (VCV001809827.2), dbSNP rs1259086423, ClinGen allele CA385935991.